The following is an entry in ClinVar:

ClinVar aggregate classification (germline): Conflicting classifications of pathogenicity. Review status: criteria provided, conflicting classifications (1 of 4 stars). 7 submissions from 7 submitters: Uncertain significance (2); Likely benign (3). 2 of the submissions do not count toward it. Last evaluated 2026-01-27.

Conditions:
IFT27-related disorder. Also called: IFT27-related condition.
Optic atrophy. Identifiers: MedGen C0029124, MONDO:0003608, HP:0000648.
Inborn genetic diseases. Identifiers: MedGen C0950123, MeSH D030342.

Allele frequency attached by ClinVar (database versions not stated): 1000 Genomes Project 0.00020; 1000 Genomes Project 30x 0.00031; gnomAD exomes 0.00055 and 0.00083; TOPMed 0.00059; ExAC 0.00061; gnomAD 0.00063 and 0.00066; ESP Exome Variant Server 0.00100.

Submissions (7):

Labcorp Genetics (formerly Invitae), Labcorp
Classification: Likely benign. Last evaluated: 2026-01-27. Review status: criteria provided, single submitter. Criteria: Invitae Variant Classification Sherloc (09022015). Collection method: clinical testing. Allele origin: germline.

GeneDx
Classification: Uncertain significance. Last evaluated: 2025-04-15. Review status: criteria provided, single submitter. Criteria: GeneDx Variant Classification Process June 2021. Collection method: clinical testing. Allele origin: germline. Affected: yes.
Comment: In silico analysis supports that this missense variant has a deleterious effect on protein structure/function; This variant is associated with the following publications: (PMID: 24367280)

Ambry Genetics
Classification: Uncertain significance for Inborn genetic diseases. Last evaluated: 2024-12-16. Review status: criteria provided, single submitter. Criteria: Ambry Variant Classification Scheme 2023. Collection method: clinical testing. Allele origin: germline.

Blueprint Genetics
Classification: Likely benign. Last evaluated: 2024-11-08. Review status: criteria provided, single submitter. Criteria: ACMG Guidelines, 2015. Collection method: clinical testing. Allele origin: germline.

Breakthrough Genomics
Classification: Likely benign. Review status: criteria provided, single submitter. Criteria: ACMG Guidelines, 2015. Collection method: not provided. Allele origin: germline. Inheritance: Autosomal recessive inheritance. Affected: yes.

Institute of Human Genetics, Univ. Regensburg, Univ. Regensburg
Classification: Uncertain significance for Optic atrophy. Last evaluated: 2023-01-01. Review status: no assertion criteria provided. Criteria: ACMG Guidelines, 2015. Collection method: clinical testing. Allele origin: germline. Affected: yes. Not counted in ClinVar's aggregate classification.

PreventionGenetics, part of Exact Sciences
Classification: Likely benign for IFT27-related condition. Last evaluated: 2020-09-08. Review status: no assertion criteria provided. Collection method: clinical testing. Allele origin: germline. Not counted in ClinVar's aggregate classification.
Comment: This variant is classified as likely benign based on ACMG/AMP sequence variant interpretation guidelines (Richards et al. 2015 PMID: 25741868, with internal and published modifications).

NM_001177701.3(IFT27):c.503C>T (p.Ala168Val)

Genes: CACNG2-DT (CACNG2 divergent transcript; plus strand), IFT27 (intraflagellar transport 27; minus strand). Cytogenetic location: 22q12.3.
Variant type: single nucleotide variant.
Coding change: c.503C>T on transcript NM_001177701.3 (MANE Select); coding-DNA position 503, C replaced by T.
Protein change: p.Ala168Val; replaces alanine 168 with valine.
Molecular consequence: missense variant.
Genome position (GRCh38, 1-based): chr22:36,758,369, G>A on the plus strand (C>T on the coding strand, the complement: IFT27 is on the minus strand). VCF-style: chr22-36758369-G-A. GRCh37 (hg19) VCF-style: chr22-37154413-G-A.
Other names: c.503C>T, p.Ala168Val (NM_001363003.2); c.500C>T, p.Ala167Val (NM_006860.5); c.503C>T (NM_001177701.2, NM_001177701.1); short protein forms A167V, A168V.
Identifiers: ClinVar variation 841662 (VCV000841662.18), dbSNP rs118095726, ClinGen allele CA10212308.
Genomic context (GRCh38, chr22:36,758,369, plus strand): 5'-CGTCATGCCAGGGCCCGGAAAACCTCCACCTTCTCCCGGTACAGCTGGTGGAACTGCTTG[G>A]CAAGGCAGTGGAAAGGGGCTTCGAAGTTTTCCATCTCTTTCTGGAAAGACAGTTTAAAAA-3'
Protein context (NP_001171172.1, residues 158-178): ENFEAPFHCL[Ala168Val]KQFHQLYREK